The following is an entry in ClinVar:

NM_001440.4(EXTL3):c.2719C>T (p.Arg907Cys)

Gene: EXTL3 (exostosin like glycosyltransferase 3; plus strand). Cytogenetic location: 8p21.1.
Variant type: single nucleotide variant.
Coding change: c.2719C>T on transcript NM_001440.4 (MANE Select); coding-DNA position 2719, C replaced by T.
Protein change: p.Arg907Cys; replaces arginine 907 with cysteine.
Molecular consequence: missense variant. On other transcripts: non-coding transcript variant (1).
Genome position (GRCh38, 1-based): chr8:28,750,825, C>T. VCF-style: chr8-28750825-C-T. GRCh37 (hg19) VCF-style: chr8-28608342-C-T.
Other names: short protein forms R907C.
Identifiers: ClinVar variation 1390775 (VCV001390775.6), dbSNP rs1256631842, ClinGen allele CA370850807.
Genomic context (GRCh38, chr8:28,750,825, plus strand): 5'-TACGGCTACATGCCCCTCCTGTACACGCAGTTCAGGGTGGATTCTGTGCTCTTCAAGACA[C>T]GCCTGCCCCATGACAAGACCAAGTGCTTCAAGTTCATCTAGGGGCAGCGCACGGTCTGGG-3'
Protein context (NP_001431.1, residues 897-917): FRVDSVLFKT[Arg907Cys]LPHDKTKCFK

ClinVar aggregate classification (germline): Uncertain significance (1 of 4 stars; one submission).

Allele frequency attached by ClinVar (database versions not stated): gnomAD exomes below 0.00001 and 0.00001.
gnomAD v4.1: 3 of 1,614,166 alleles (0.00019%); highest among the groups gnomAD compares: Non-Finnish European, 0.00017%; no homozygotes.

Submission:

Labcorp Genetics (formerly Invitae), Labcorp
Classification: Uncertain significance. Last evaluated: 2022-09-07. Review status: criteria provided, single submitter. Criteria: Invitae Variant Classification Sherloc (09022015). Collection method: clinical testing. Allele origin: germline.
Comment: In summary, the available evidence is currently insufficient to determine the role of this variant in disease. Therefore, it has been classified as a Variant of Uncertain Significance. Algorithms developed to predict the effect of missense changes on protein structure and function are either unavailable or do not agree on the potential impact of this missense change (SIFT: "Deleterious"; PolyPhen-2: "Possibly Damaging"; Align-GVGD: "Class C0"). ClinVar contains an entry for this variant (Variation ID: 1390775). This variant has not been reported in the literature in individuals affected with EXTL3-related conditions. This variant is present in population databases (no rsID available, gnomAD 0.009%). This sequence change replaces arginine, which is basic and polar, with cysteine, which is neutral and slightly polar, at codon 907 of the EXTL3 protein (p.Arg907Cys).